The following is an entry in ClinVar:

NM_000264.5(PTCH1):c.1244C>G (p.Ser415Cys)

Gene: PTCH1 (patched 1; minus strand). Cytogenetic location: 9q22.32.
Variant type: single nucleotide variant.
Coding change: c.1244C>G on transcript NM_000264.5 (MANE Select); coding-DNA position 1244, C replaced by G.
Protein change: p.Ser415Cys; replaces serine 415 with cysteine.
Molecular consequence: missense variant. On other transcripts: non-coding transcript variant (1).
Genome position (GRCh38, 1-based): chr9:95,478,158, G>C on the plus strand (C>G on the coding strand, the complement: PTCH1 is on the minus strand). VCF-style: chr9-95478158-G-C. GRCh37 (hg19) VCF-style: chr9-98240440-G-C.
Other names: c.1046C>G, p.Ser349Cys (NM_001083602.3); c.1241C>G, p.Ser414Cys (NM_001083603.3); c.791C>G, p.Ser264Cys (NM_001083604.3, NM_001083605.3, NM_001083606.3 and 1 more transcripts); c.1244C>G, p.Ser415Cys (NM_001354918.2); short protein forms S415C, S349C, S414C, S264C.
Identifiers: ClinVar variation 818683 (VCV000818683.5), dbSNP rs1588602943, ClinGen allele CA374118910.

ClinVar aggregate classification (germline): Uncertain significance. Review status: criteria provided, multiple submitters, no conflicts (2 of 4 stars). 2 submissions from 2 submitters: Uncertain significance (2). Last evaluated 2021-07-22.

Conditions:
Hereditary cancer-predisposing syndrome. Also called: Hereditary Cancer Syndrome; Neoplastic Syndromes, Hereditary; Hereditary neoplastic syndrome; Tumor predisposition. Identifiers: Orphanet 140162, MedGen C0027672, MeSH D009386, MONDO:0015356.
Gorlin syndrome. Also called: Nevoid Basal Cell Carcinoma Syndrome; Basal cell nevus syndrome. Identifiers: Orphanet 377, MedGen C0004779, MONDO:0007187.

gnomAD v4.1: 1 of 1,614,196 alleles (0.000062%); highest among the groups gnomAD compares: African/African-American, 0.0013%; no homozygotes.

Submissions (2):

Baylor Genetics
Classification: Uncertain significance for Basal cell nevus syndrome 1. Last evaluated: 2021-07-22. Review status: criteria provided, single submitter. Criteria: ACMG Guidelines, 2015. Collection method: clinical testing. Allele origin: unknown. Affected: yes. Study: CSER-TexasKidsCanSeq.
Comment: This variant was determined to be of uncertain significance according to ACMG Guidelines, 2015 [PMID:25741868].

Ambry Genetics
Classification: Uncertain significance for Hereditary cancer-predisposing syndrome. Last evaluated: 2019-03-28. Review status: criteria provided, single submitter. Criteria: Ambry Variant Classification Scheme 2023. Collection method: clinical testing. Allele origin: germline.
Comment: The p.S415C variant (also known as c.1244C>G), located in coding exon 9 of the PTCH1 gene, results from a C to G substitution at nucleotide position 1244. The serine at codon 415 is replaced by cysteine, an amino acid with dissimilar properties. This amino acid position is highly conserved in available vertebrate species. In addition, the in silico prediction for this alteration is inconclusive. Since supporting evidence is limited at this time, the clinical significance of this alteration remains unclear.